The following is an entry in ClinVar:

ClinVar aggregate classification (germline): Conflicting classifications of pathogenicity. Review status: criteria provided, conflicting classifications (1 of 4 stars). 2 submissions from 2 submitters: Uncertain significance (1); Likely benign (1). Last evaluated 2024-10-21.

Conditions:
Leber congenital amaurosis 11 (LCA11). Identifiers: Orphanet 65, MedGen C1840284, MONDO:0013454, OMIM 613837.

Allele frequency attached by ClinVar (database versions not stated): gnomAD 0.00001; gnomAD exomes 0.00001; TOPMed 0.00002; ExAC 0.00003.
gnomAD v4.1: 16 of 1,613,618 alleles (0.00099%); highest among the groups gnomAD compares: Middle Eastern, 0.017%; no homozygotes.

Submissions (2):

Labcorp Genetics (formerly Invitae), Labcorp
Classification: Uncertain significance. Last evaluated: 2024-10-21. Review status: criteria provided, single submitter. Criteria: Invitae Variant Classification Sherloc (09022015). Collection method: clinical testing. Allele origin: germline.
Comment: This sequence change replaces arginine, which is basic and polar, with glutamine, which is neutral and polar, at codon 497 of the IMPDH1 protein (p.Arg497Gln). This variant is present in population databases (rs765746859, gnomAD 0.004%). This variant has not been reported in the literature in individuals affected with IMPDH1-related conditions. ClinVar contains an entry for this variant (Variation ID: 2062530). An algorithm developed to predict the effect of missense changes on protein structure and function (PolyPhen-2) suggests that this variant is likely to be disruptive. In summary, the available evidence is currently insufficient to determine the role of this variant in disease. Therefore, it has been classified as a Variant of Uncertain Significance.

Medical Genetics Laboratory, Niloo Shiraz Laboratory
Classification: Likely benign for Leber congenital amaurosis 11. Review status: criteria provided, single submitter. Criteria: ACMG Guidelines, 2015. Collection method: clinical testing. Allele origin: germline. Inheritance: Autosomal dominant inheritance. Affected: no.
Comment: Based on ACMG guidelines, it is initially classified as a VUS. Considering its allele frequency, and age of onset, we classified this variant as likely benign.

NM_000883.4(IMPDH1):c.1490G>A (p.Arg497Gln)

Gene: IMPDH1 (inosine monophosphate dehydrogenase 1; minus strand). Cytogenetic location: 7q32.1.
Variant type: single nucleotide variant.
Coding change: c.1490G>A on transcript NM_000883.4 (MANE Select); coding-DNA position 1490, G replaced by A.
Protein change: p.Arg497Gln; replaces arginine 497 with glutamine.
Molecular consequence: missense variant.
Genome position (GRCh38, 1-based): chr7:128,394,949, C>T on the plus strand (G>A on the coding strand, the complement: IMPDH1 is on the minus strand). VCF-style: chr7-128394949-C-T. GRCh37 (hg19) VCF-style: chr7-128035003-C-T.
Other names: c.1460G>A, p.Arg487Gln (NM_001102605.2); c.1235G>A, p.Arg412Gln (NM_001142573.2); c.1220G>A, p.Arg407Gln (NM_001142574.2); c.1160G>A, p.Arg387Gln (NM_001142575.2); c.1391G>A, p.Arg464Gln (NM_001142576.2); c.1283G>A, p.Arg428Gln (NM_001304521.2); c.1382G>A, p.Arg461Gln (NM_183243.3); short protein forms R412Q, R487Q, R428Q, R461Q, R464Q, R387Q, R497Q, R407Q.
Identifiers: ClinVar variation 2062530 (VCV002062530.5), dbSNP rs765746859, ClinGen allele CA4470816.